The following is an entry in ClinVar:

ClinVar aggregate classification (germline): Benign (0 of 4 stars; one submission).

Conditions:
ADGRL2-related disorder. Also called: ADGRL2-related condition.

Allele frequency attached by ClinVar (database versions not stated): gnomAD exomes 0.00028; ExAC 0.00098; gnomAD 0.00311; 1000 Genomes Project 30x 0.00312; ESP Exome Variant Server 0.00315; 1000 Genomes Project 0.00319; TOPMed 0.00337.
gnomAD v4.1: 922 of 1,614,160 alleles (0.057%); highest among the groups gnomAD compares: African/African-American, 1.1%; 3 homozygotes.

Submission:

PreventionGenetics, part of Exact Sciences
Classification: Benign for ADGRL2-related condition. Last evaluated: 2019-08-13. Review status: no assertion criteria provided. Collection method: clinical testing. Allele origin: germline.
Comment: This variant is classified as benign based on ACMG/AMP sequence variant interpretation guidelines (Richards et al. 2015 PMID: 25741868, with internal and published modifications).

NM_001366006.2(ADGRL2):c.3889G>A (p.Val1297Ile)

Gene: ADGRL2 (adhesion G protein-coupled receptor L2; plus strand). Cytogenetic location: 1p31.1.
Variant type: single nucleotide variant.
Coding change: c.3889G>A on transcript NM_001366006.2 (MANE Select); coding-DNA position 3889, G replaced by A.
Protein change: p.Val1297Ile; replaces valine 1297 with isoleucine.
Molecular consequence: missense variant. On other transcripts: 3 prime UTR variant (8), non-coding transcript variant (1).
Genome position (GRCh38, 1-based): chr1:81,990,624, G>A. VCF-style: chr1-81990624-G-A. GRCh37 (hg19) VCF-style: chr1-82456308-G-A.
Other names: c.3691G>A, p.Val1231Ile (NM_001297704.3, NM_001366002.2, NM_001393351.1 and 2 more transcripts); c.*263G>A (NM_001297705.3); c.*222G>A (NM_001297706.3, NM_001366009.2, NM_001393353.1); c.3730G>A, p.Val1244Ile (NM_001330645.3, NM_001393350.1); c.3871G>A, p.Val1291Ile (NM_001350698.2, NM_001366003.2, NM_001366004.2 and 1 more transcripts); c.*281G>A (NM_001350699.2, NM_001393354.1); c.3889G>A, p.Val1297Ile (NM_001366005.2); c.*249G>A (NM_001366007.2, NM_001366008.2); short protein forms V1231I, V1244I, V1291I, V1297I.
Identifiers: ClinVar variation 3052915 (VCV003052915.2), dbSNP rs146536254, ClinGen allele CA923199.
Genomic context (GRCh38, chr1:81,990,624, plus strand): 5'-TTAGTGCACAACAACTTACGGGGCAGCAGCAAGACTCACAACCTCGAGCTCACGCTACCA[G>A]TCAAACCTGTGATTGGAGGTAGCAGCAGTGAAGATGATGCTATTGTGGCAGATGCTTCAT-3'
Protein context (NP_001352935.1, residues 1287-1307): KTHNLELTLP[Val1297Ile]KPVIGGSSSE